The following is an entry in ClinVar:

ClinVar aggregate classification (germline): Benign/Likely benign. Review status: criteria provided, multiple submitters, no conflicts (2 of 4 stars). 6 submissions from 6 submitters: Benign (4); Likely benign (2). Last evaluated 2026-01-26.

Conditions:
Holoprosencephaly 3 (HPE3). Identifiers: Orphanet 2162, MedGen C1840529, MONDO:0007733, OMIM 142945.
Schizencephaly. Identifiers: Orphanet 799, MedGen C0266484, MONDO:0010011, OMIM 269160, HP:0010636.
Solitary median maxillary central incisor syndrome. Also called: FUSED INCISORS; Solitary median maxillary central incisor; SMMCI SYNDROME; SINGLE CENTRAL MAXILLARY INCISOR; Single Central Incisor Syndrome. Identifiers: MedGen C1840235, MONDO:0007819, OMIM 147250, HP:0006315.
Microphthalmia, isolated, with coloboma 5 (MCOPCB5). Also called: Microphthalmia with Coloboma 5; MICROPHTHALMIA/COLOBOMA 5. Identifiers: Orphanet 98938, MedGen C1968843, MONDO:0012709, OMIM 611638.

Allele frequency attached by ClinVar (database versions not stated): gnomAD exomes 0.00045 and 0.00107; ExAC 0.00133; ESP Exome Variant Server 0.00438; gnomAD 0.00466 and 0.00504; TOPMed 0.00513; 1000 Genomes Project 0.00559; 1000 Genomes Project 30x 0.00687.

Submissions (6):

Labcorp Genetics (formerly Invitae), Labcorp
Classification: Benign for Holoprosencephaly 3. Last evaluated: 2026-01-26. Review status: criteria provided, single submitter. Criteria: Invitae Variant Classification Sherloc (09022015). Collection method: clinical testing. Allele origin: germline.

Blueprint Genetics
Classification: Likely benign. Last evaluated: 2024-10-24. Review status: criteria provided, single submitter. Criteria: ACMG Guidelines, 2015. Collection method: clinical testing. Allele origin: germline.

ARUP Laboratories, Molecular Genetics and Genomics, ARUP Laboratories
Classification: Benign. Last evaluated: 2023-09-21. Review status: criteria provided, single submitter. Criteria: ARUP Molecular Germline Variant Investigation Process 2024. Collection method: clinical testing. Allele origin: germline.

Fulgent Genetics
Classification: Likely benign for Holoprosencephaly 3; Solitary median maxillary central incisor syndrome; Schizencephaly; Microphthalmia, isolated, with coloboma 5. Last evaluated: 2021-10-14. Review status: criteria provided, single submitter. Criteria: ACMG Guidelines, 2015. Collection method: clinical testing. Allele origin: unknown.

GeneDx
Classification: Benign. Last evaluated: 2015-03-30. Review status: criteria provided, single submitter. Criteria: GeneDx Variant Classification (06012015). Collection method: clinical testing. Allele origin: germline. Affected: yes.
Comment: This variant is considered likely benign or benign based on one or more of the following criteria: it is a conservative change, it occurs at a poorly conserved position in the protein, it is predicted to be benign by multiple in silico algorithms, and/or has population frequency not consistent with disease.

Breakthrough Genomics
Classification: Benign. Review status: criteria provided, single submitter. Criteria: ACMG Guidelines, 2015. Collection method: not provided. Allele origin: germline. Inheritance: Autosomal dominant inheritance. Affected: yes.

NM_000193.4(SHH):c.300+17G>A

Gene: SHH (sonic hedgehog signaling molecule; minus strand). Cytogenetic location: 7q36.3.
Variant type: single nucleotide variant.
Coding change: c.300+17G>A on transcript NM_000193.4 (MANE Select); 17 bases into the intron after coding-DNA position 300, G replaced by A.
Molecular consequence: intron variant.
Genome position (GRCh38, 1-based): chr7:155,811,806, C>T on the plus strand (G>A on the coding strand, the complement: SHH is on the minus strand). VCF-style: chr7-155811806-C-T. GRCh37 (hg19) VCF-style: chr7-155604500-C-T.
Identifiers: ClinVar variation 378580 (VCV000378580.20), dbSNP rs116412905, ClinGen allele CA4587068.
Genomic context (GRCh38, chr7:155,811,806, plus strand): 5'-GTTAAGTCTGGAAGTGTTCGGCTTCTCGTAACCCCCTGGAAAGCCACACATTCCACGCCC[C>T]GGCGCTGGGTTCCTACCTGAGTCATCAGCCTGTCCGCTCCGGTGTTTTCTTCATCCTTAA-3'